The following is an entry in ClinVar:

ClinVar aggregate classification (germline): Uncertain significance. Review status: criteria provided, multiple submitters, no conflicts (2 of 4 stars). 2 submissions from 2 submitters: Uncertain significance (2). Last evaluated 2022-06-12.

Conditions:
Fanconi anemia (FA). Also called: Fanconi's anemia. Identifiers: Orphanet 84, MedGen C0015625, MeSH D005199, MONDO:0019391.

Allele frequency attached by ClinVar (database versions not stated): ExAC 0.00001; gnomAD exomes 0.00001.
gnomAD v4.1: 22 of 1,614,044 alleles (0.0014%); highest among the groups gnomAD compares: Non-Finnish European, 0.0018%; no homozygotes.

Submissions (2):

Labcorp Genetics (formerly Invitae), Labcorp
Classification: Uncertain significance for Fanconi anemia. Last evaluated: 2022-06-12. Review status: criteria provided, single submitter. Criteria: Invitae Variant Classification Sherloc (09022015). Collection method: clinical testing. Allele origin: germline.
Comment: This sequence change replaces threonine, which is neutral and polar, with asparagine, which is neutral and polar, at codon 345 of the SLX4 protein (p.Thr345Asn). This variant is present in population databases (rs751770341, gnomAD 0.002%). This variant has not been reported in the literature in individuals affected with SLX4-related conditions. ClinVar contains an entry for this variant (Variation ID: 1337773). Algorithms developed to predict the effect of missense changes on protein structure and function are either unavailable or do not agree on the potential impact of this missense change (SIFT: "Deleterious"; PolyPhen-2: "Possibly Damaging"; Align-GVGD: "Class C0"). In summary, the available evidence is currently insufficient to determine the role of this variant in disease. Therefore, it has been classified as a Variant of Uncertain Significance.

Genetic Services Laboratory, University of Chicago
Classification: Uncertain significance. Last evaluated: 2020-11-16. Review status: criteria provided, single submitter. Criteria: ACMG Guidelines, 2015. Collection method: clinical testing. Allele origin: germline. Affected: no.
Comment: DNA sequence analysis of the SLX4 gene demonstrated a sequence change, c.1034C>A, in exon 5 that results in an amino acid change, p.Thr345Asn. This sequence change does not appear to have been previously described in patients with SLX4-related disorders and has been described in the gnomAD database in three individuals with an overall population frequency of 0.001% (dbSNP rs751770341). The p.Thr345Asn change affects a moderately conserved amino acid residue located in a domain of the SLX4 protein that is not known to be functional. In-silico pathogenicity prediction tools (SIFT, PolyPhen2, Align GVGD, REVEL) provide contradictory results for the p.Thr345Asn substitution. Due to these contrasting evidences and the lack of functional studies, the clinical significance of the p.Thr345Asn change remains unknown at this time.

NM_032444.4(SLX4):c.1034C>A (p.Thr345Asn)

Gene: SLX4 (SLX4 structure-specific endonuclease subunit; minus strand). Cytogenetic location: 16p13.3.
Variant type: single nucleotide variant.
Coding change: c.1034C>A on transcript NM_032444.4 (MANE Select); coding-DNA position 1034, C replaced by A.
Protein change: p.Thr345Asn; replaces threonine 345 with asparagine.
Molecular consequence: missense variant.
Genome position (GRCh38, 1-based): chr16:3,601,108, G>T on the plus strand (C>A on the coding strand, the complement: SLX4 is on the minus strand). VCF-style: chr16-3601108-G-T. GRCh37 (hg19) VCF-style: chr16-3651109-G-T.
Other names: short protein forms T345N.
Identifiers: ClinVar variation 1337773 (VCV001337773.5), dbSNP rs751770341, ClinGen allele CA7866654.